The following is an entry in ClinVar:

NM_001122630.2(CDKN1C):c.295_296delinsTT (p.Ala99Leu)

Gene: CDKN1C (cyclin dependent kinase inhibitor 1C; minus strand). Cytogenetic location: 11p15.4.
Variant type: Indel.
Coding change: c.295_296delinsTT on transcript NM_001122630.2 (MANE Select); coding-DNA positions 295 to 296, GC replaced by TT.
Protein change: p.Ala99Leu; replaces alanine 99 with leucine.
Molecular consequence: missense variant. On other transcripts: intron variant (1).
Genome position (GRCh38, 1-based): chr11:2,885,161-2,885,162, GC replaced by AA on the plus strand (GC replaced by TT on the coding strand, the reverse complement: CDKN1C is on the minus strand). VCF-style: chr11-2885161-GC-AA. GRCh37 (hg19) VCF-style: chr11-2906391-GC-AA.
Other names: c.328_329delinsTT, p.Ala110Leu (NM_000076.2, NM_001362474.2); c.295_296delinsTT, p.Ala99Leu (NM_001122631.2); c.255+40_255+41delinsTT (NM_001362475.2); short protein forms A110L, A99L.
Identifiers: ClinVar variation 834651 (VCV000834651.8), dbSNP rs1848965543, ClinGen allele CA916081626.

ClinVar aggregate classification (germline): Uncertain significance (1 of 4 stars; one submission).

Conditions:
Beckwith-Wiedemann syndrome (BWS). Also called: Exomphalos macroglossia gigantism syndrome; EMG SYNDROME. Identifiers: Orphanet 116, MedGen C0004903, MONDO:0007534, OMIM 130650.

Submission:

Labcorp Genetics (formerly Invitae), Labcorp
Classification: Uncertain significance for Beckwith-Wiedemann syndrome. Last evaluated: 2019-01-17. Review status: criteria provided, single submitter. Criteria: Invitae Variant Classification Sherloc (09022015). Collection method: clinical testing. Allele origin: germline.
Comment: This variant has not been reported in the literature in individuals with CDKN1C-related conditions. This sequence change replaces alanine with leucine at codon 110 of the CDKN1C protein (p.Ala110Leu). The alanine residue is weakly conserved and there is a moderate physicochemical difference between alanine and leucine. The frequency data for this variant in the population databases is considered unreliable, as metrics indicate insufficient coverage at this position in the ExAC database. Algorithms developed to predict the effect of missense changes on protein structure and function are either unavailable or do not agree on the potential impact of this missense change (SIFT: "Tolerated"; PolyPhen-2: "Benign"; Align-GVGD: "Class C35"). In summary, the available evidence is currently insufficient to determine the role of this variant in disease. Therefore, it has been classified as a Variant of Uncertain Significance.